The following is an entry in ClinVar:

ClinVar aggregate classification (germline): Pathogenic (1 of 4 stars; one submission).

Conditions:
Spondyloepimetaphyseal dysplasia, PAPSS2 type. Also called: SEMD, PAKISTANI TYPE; BRACHYOLMIA TYPE 4 WITH MILD EPIPHYSEAL AND METAPHYSEAL CHANGES; SPONDYLODYSPLASIA AND PREMATURE PUBARCHE. Identifiers: Orphanet 93282, MedGen C2748516, MONDO:0019666, OMIM 612847.

gnomAD v4.1: 2 of 1,599,926 alleles (0.00013%); highest among the groups gnomAD compares: African/African-American, 0.0013%; no homozygotes.

Submission:

Labcorp Genetics (formerly Invitae), Labcorp
Classification: Pathogenic for Spondyloepimetaphyseal dysplasia, PAPSS2 type. Last evaluated: 2025-10-26. Review status: criteria provided, single submitter. Criteria: Invitae Variant Classification Sherloc (09022015). Collection method: clinical testing. Allele origin: germline.
Comment: This sequence change creates a premature translational stop signal (p.Glu10*) in the PAPSS2 gene. It is expected to result in an absent or disrupted protein product. Loss-of-function variants in PAPSS2 are known to be pathogenic (PMID: 22791835, 23633440). This variant is present in population databases (no rsID available, gnomAD 0.01%). This variant has not been reported in the literature in individuals affected with PAPSS2-related conditions. ClinVar contains an entry for this variant (Variation ID: 3012764). Algorithms developed to predict the effect of sequence changes on RNA splicing suggest that this variant may disrupt the consensus splice site. For these reasons, this variant has been classified as Pathogenic.

Literature cited by the submitters: PubMed 22791835; PubMed 23633440.

NM_001015880.2(PAPSS2):c.28G>T (p.Glu10Ter)

Gene: PAPSS2 (3'-phosphoadenosine 5'-phosphosulfate synthase 2; plus strand). Cytogenetic location: 10q23.31.
Variant type: single nucleotide variant.
Coding change: c.28G>T on transcript NM_001015880.2 (MANE Select); coding-DNA position 28, G replaced by T.
Protein change: p.Glu10Ter; replaces glutamic acid 10 with a stop codon.
Molecular consequence: nonsense.
Genome position (GRCh38, 1-based): chr10:87,709,196, G>T. VCF-style: chr10-87709196-G-T. GRCh37 (hg19) VCF-style: chr10-89468953-G-T.
Other names: c.28G>T, p.Glu10Ter (NM_004670.4); short protein forms E10*.
Identifiers: ClinVar variation 3012764 (VCV003012764.3), dbSNP rs17173698, ClinGen allele CA211255342.